The following is an entry in ClinVar:

ClinVar aggregate classification (germline): Pathogenic (1 of 4 stars; one submission).

Conditions:
Glycogen storage disease IXa1. Also called: LIVER GLYCOGENOSIS, X-LINKED, TYPE I; GLYCOGEN STORAGE DISEASE VIII; GSD VIII; Glycogen storage disease 8. Identifiers: Orphanet 264580, MedGen C3694531, MONDO:0010598, OMIM 306000.

Submission:

Labcorp Genetics (formerly Invitae), Labcorp
Classification: Pathogenic for Glycogen storage disease IXa1. Last evaluated: 2023-07-14. Review status: criteria provided, single submitter. Criteria: Invitae Variant Classification Sherloc (09022015). Collection method: clinical testing. Allele origin: germline.
Comment: For these reasons, this variant has been classified as Pathogenic. This variant disrupts a region of the PHKA2 protein in which other variant(s) (p.Arg45Trp) have been determined to be pathogenic (PMID: 21646031, 22899091, 25070466, 28627441). This suggests that this is a clinically significant region of the protein, and that variants that disrupt it are likely to be disease-causing. ClinVar contains an entry for this variant (Variation ID: 567305). Disruption of the initiator codon has been observed in individual(s) with glycogen storage disease (Invitae). This variant is not present in population databases (gnomAD no frequency). This sequence change affects the initiator methionine of the PHKA2 mRNA. The next in-frame methionine is located at codon 59.

Literature cited by the submitters: PubMed 21646031; PubMed 22899091; PubMed 25070466; PubMed 28627441.

NM_000292.3(PHKA2):c.-9_2del (p.Met1fs)

Gene: PHKA2 (phosphorylase kinase regulatory subunit alpha 2; minus strand). Cytogenetic location: Xp22.13.
Variant type: Deletion.
Coding change: c.-9_2del on transcript NM_000292.3 (MANE Select); 9 bases upstream of the start codon through coding-DNA position 2, 11 bases deleted (CTCGGGGAGAT).
Protein change: p.Met1fs; shifts the reading frame from methionine 1.
Molecular consequence: frameshift variant, initiator codon variant.
Genome position (GRCh38, 1-based): chrX:18,983,931-18,983,941, ATCTCCCCGAG deleted on the plus strand (CTCGGGGAGAT on the coding strand, the reverse complement: PHKA2 is on the minus strand). VCF-style (leftmost placement, unchanged base first): chrX-18983930-CATCTCCCCGAG-C. GRCh37 (hg19) VCF-style: chrX-19002048-CATCTCCCCGAG-C.
Other names: short protein forms M1fs.
Identifiers: ClinVar variation 567305 (VCV000567305.9), dbSNP rs1569344469, ClinGen allele CA891844443.